The following is an entry in ClinVar:

NM_000180.4(GUCY2D):c.2516_2517del (p.Thr839fs)

Gene: GUCY2D (guanylate cyclase 2D, retinal; plus strand). Cytogenetic location: 17p13.1.
Variant type: Deletion.
Coding change: c.2516_2517del on transcript NM_000180.4 (MANE Select); coding-DNA positions 2516 to 2517, 2 bases deleted (CG; older notation c.2516_2517delCG).
Protein change: p.Thr839fs; shifts the reading frame from threonine 839.
Molecular consequence: frameshift variant.
Genome position (GRCh38, 1-based): chr17:8,014,704-8,014,705, CG deleted. VCF-style (leftmost placement, unchanged base first): chr17-8014703-ACG-A. GRCh37 (hg19) VCF-style: chr17-7918021-ACG-A.
Other names: short protein forms T839fs.
Identifiers: ClinVar variation 4526460 (VCV004526460.1).
Genomic context (GRCh38, chr17:8,014,703, plus strand): 5'-TCGATGCTTCGGATGCTGGAGCAGTACTCTAGTAACCTGGAGGATCTGATCCGGGAGCGC[ACG>A]GAGGAGCTGGAGCTGGAAAAGCAGAAGACAGACCGGCTGCTTACACAGATGCTGCCTCCG-3'

ClinVar aggregate classification (germline): Likely pathogenic (1 of 4 stars; one submission).

Conditions:
Leber congenital amaurosis 1 (LCA1). Also called: RETINAL BLINDNESS, CONGENITAL; AMAUROSIS CONGENITA OF LEBER I; Congenital absence of the rods and cones; Leber's congenital tapetoretinal degeneration; Leber's congenital tapetoretinal dysplasia. Identifiers: Orphanet 65, MedGen C2931258, MONDO:0008764, OMIM 204000.

Submission:

Department of Pediatric Laboratory, Wuxi Children's Hospital
Classification: Likely pathogenic for Leber congenital amaurosis 1. Review status: criteria provided, single submitter. Criteria: ACMG Guidelines, 2015. Collection method: clinical testing. Allele origin: maternal. Inheritance: Autosomal recessive inheritance. Affected: yes.
Comment: The frameshift mutation is novel and involves the deletion of two bases (2516-2517) in the coding region, resulting in a frameshift that alters the amino acid at position 839 and terminates after 23 amino acids. This mutation occurs in the exon 13 of GUCY2D, which may result in protein truncation and/or nonsense-mediated mRNA decay. Previous downstream truncated variants were recognized as pathogenic variants (PVS1). Moreover, it is not recorded in the gnomAD database (PM2_Supporting). According to ACMG guidelines, this mutation is classified as likely pathogenic (LP) (PVS1+PM2_Supporting).

Literature cited by the submitters: PubMed 10951519.